The following is an entry in ClinVar:

NM_004984.4(KIF5A):c.1853A>T (p.Lys618Met)

Gene: KIF5A (kinesin family member 5A; plus strand). Cytogenetic location: 12q13.3.
Variant type: single nucleotide variant.
Coding change: c.1853A>T on transcript NM_004984.4 (MANE Select); coding-DNA position 1853, A replaced by T.
Protein change: p.Lys618Met; replaces lysine 618 with methionine.
Molecular consequence: missense variant.
Genome position (GRCh38, 1-based): chr12:57,575,220, A>T. VCF-style: chr12-57575220-A-T. GRCh37 (hg19) VCF-style: chr12-57969003-A-T.
Other names: c.1586A>T, p.Lys529Met (NM_001354705.2); short protein forms K529M, K618M.
Identifiers: ClinVar variation 4686950 (VCV004686950.1).

ClinVar aggregate classification (germline): Uncertain significance (1 of 4 stars; one submission).

Submission:

GeneDx
Classification: Uncertain significance. Last evaluated: 2025-07-22. Review status: criteria provided, single submitter. Criteria: GeneDx Variant Classification Process June 2021. Collection method: clinical testing. Allele origin: germline. Affected: yes.
Comment: In silico analysis supports that this missense variant has a deleterious effect on protein structure/function; Has not been previously published as pathogenic or benign to our knowledge; Not observed at significant frequency in large population cohorts (gnomAD)